The following is an entry in ClinVar:

NM_001375765.1(GIGYF1):c.720del (p.Trp240fs)

Gene: GIGYF1 (GRB10 interacting GYF protein 1; minus strand). Cytogenetic location: 7q22.1.
Variant type: Deletion.
Coding change: c.720del on transcript NM_001375765.1 (MANE Select); coding-DNA position 720, one base deleted (G; older notation c.720delG).
Protein change: p.Trp240fs; shifts the reading frame from tryptophan 240.
Molecular consequence: frameshift variant. On other transcripts: non-coding transcript variant (1).
Genome position (GRCh38, 1-based): chr7:100,686,408, C deleted on the plus strand (G on the coding strand, the reverse complement: GIGYF1 is on the minus strand); the first of 2 consecutive C bases (chr7:100,686,408-100,686,409); deleting either gives the same sequence. VCF-style (leftmost placement, unchanged base first): chr7-100686407-GC-G. GRCh37 (hg19) VCF-style: chr7-100284030-GC-G.
Other names: c.720del, p.Trp240fs (NM_001375759.1, NM_001375760.1, NM_001375761.1 and 6 more transcripts); short protein forms W240fs.
Identifiers: ClinVar variation 4532043 (VCV004532043.1).

ClinVar aggregate classification (germline): Pathogenic (1 of 4 stars; one submission).

Conditions:
Autism spectrum disorder. Also called: Autism spectrum disorders. Identifiers: MedGen C1510586, MeSH D000067877, MONDO:0005258.

Submission:

Victorian Clinical Genetics Services, Murdoch Childrens Research Institute
Classification: Pathogenic for Autism spectrum disorder. Last evaluated: 2025-07-22. Review status: criteria provided, single submitter. Criteria: ACMG Guidelines, 2015. Collection method: clinical testing. Allele origin: germline. Affected: yes.
Comment: This variant is classified as Pathogenic. Evidence in support of pathogenic classification: Variant is predicted to cause nonsense-mediated decay (NMD) and loss of protein (premature termination codon is located at least 54 nucleotides upstream of the final exon-exon junction); Variant is absent from gnomAD (v2, v3 and v4); Other NMD-predicted variant(s) comparable to the one identified in this case have very strong previous evidence for pathogenicity (DECIPHER). Additional information: This variant is heterozygous; This gene is associated with autosomal dominant disease; This variant has no previous evidence of pathogenicity; No published evidence of segregation with disease has been identified for this variant; No published functional evidence has been identified for this variant; Loss of function is a known mechanism of disease in this gene and is associated with autism spectrum disorder (MONDO:0005258), GIGYF1-related; The condition associated with this gene has incomplete penetrance. A pathogenic variant in this gene has been reported to be inherited from unaffected parents in several families (PMID: 35917186).

Literature cited by the submitters: PubMed 35917186.